The following is an entry in ClinVar:

ClinVar aggregate classification (germline): Pathogenic (1 of 4 stars; one submission).

Conditions:
Tay-Sachs disease (TSD). Also called: HEXA DEFICIENCY; HEXA Disorders; GM2 gangliosidosis, type 1; Hexosaminidase alpha-subunit deficiency (variant B); Sphingolipidosis, Tay-Sachs; Hexosaminidase A Deficiency. Identifiers: Orphanet 845, MedGen C0039373, MONDO:0010100, OMIM 272800.

Submission:

Labcorp Genetics (formerly Invitae), Labcorp
Classification: Pathogenic for Tay-Sachs disease. Last evaluated: 2023-02-18. Review status: criteria provided, single submitter. Criteria: Invitae Variant Classification Sherloc (09022015). Collection method: clinical testing. Allele origin: unknown.
Comment: For these reasons, this variant has been classified as Pathogenic. This variant has not been reported in the literature in individuals affected with HEXA-related conditions. This variant is a gross deletion of the genomic region encompassing exon(s) 2-10 of the HEXA gene. This deletion is out-of-frame, and is expected to create a premature termination codon and result in an absent or disrupted protein product. Loss-of-function variants in HEXA are known to be pathogenic (PMID: 1833974, 8490625).

Literature cited by the submitters: PubMed 1833974; PubMed 8490625.

NC_000015.9:g.(?_72640007)_(72648978_?)del

Gene: HEXA (hexosaminidase subunit alpha; minus strand). Cytogenetic location: 15q23.
Variant type: Deletion.
Identifiers: ClinVar variation 3243747 (VCV003243747.1).